The following is an entry in ClinVar:

ClinVar aggregate classification (germline): Uncertain significance (1 of 4 stars; one submission).

Conditions:
Hereditary cancer-predisposing syndrome. Also called: Hereditary Cancer Syndrome; Hereditary neoplastic syndrome; Tumor predisposition; Neoplastic Syndromes, Hereditary. Identifiers: Orphanet 140162, MedGen C0027672, MeSH D009386, MONDO:0015356.

Submission:

Ambry Genetics
Classification: Uncertain significance for Hereditary cancer-predisposing syndrome. Last evaluated: 2022-09-28. Review status: criteria provided, single submitter. Criteria: Ambry Variant Classification Scheme 2023. Collection method: clinical testing. Allele origin: germline.
Comment: The p.L779S variant (also known as c.2336T>C), located in coding exon 23 of the RB1 gene, results from a T to C substitution at nucleotide position 2336. The leucine at codon 779 is replaced by serine, an amino acid with dissimilar properties. This amino acid position is conserved. In addition, this alteration is predicted to be deleterious by in silico analysis. Since supporting evidence is limited at this time, the clinical significance of this alteration remains unclear.

NM_000321.3(RB1):c.2336T>C (p.Leu779Ser)

Gene: RB1 (RB transcriptional corepressor 1; plus strand). Cytogenetic location: 13q14.2.
Variant type: single nucleotide variant.
Coding change: c.2336T>C on transcript NM_000321.3 (MANE Select); coding-DNA position 2336, T replaced by C.
Protein change: p.Leu779Ser; replaces leucine 779 with serine.
Molecular consequence: missense variant.
Genome position (GRCh38, 1-based): chr13:48,465,215, T>C. VCF-style: chr13-48465215-T-C. GRCh37 (hg19) VCF-style: chr13-49039351-T-C.
Other names: c.2336T>C, p.Leu779Ser (NM_001407165.1); short protein forms L779S.
Identifiers: ClinVar variation 1789785 (VCV001789785.2), dbSNP rs2542375665, ClinGen allele CA388167768.